The following is an entry in ClinVar:

ClinVar aggregate classification (germline): Pathogenic. Review status: criteria provided, multiple submitters, no conflicts (2 of 4 stars). 4 submissions from 4 submitters: Pathogenic (2). 2 of the submissions do not count toward it. Last evaluated 2019-12-03.

Conditions:
Charcot-Marie-Tooth disease, type I (CMT1). Also called: Charcot-Marie-Tooth, Type 1; Charcot-Marie-Tooth disease type 1. Identifiers: Orphanet 65753, MedGen C0751036, MONDO:0019011.
Charcot-Marie-Tooth disease type 1B. Also called: HEREDITARY MOTOR AND SENSORY NEUROPATHY I; HEREDITARY MOTOR AND SENSORY NEUROPATHY IB; CHARCOT-MARIE-TOOTH DISEASE, AUTOSOMAL DOMINANT, WITH FOCALLY FOLDED MYELIN SHEATHS, TYPE 1B; CHARCOT-MARIE-TOOTH DISEASE, SLOW NERVE CONDUCTION TYPE, LINKED TO DUFFY; CHARCOT-MARIE-TOOTH NEUROPATHY, TYPE 1B; Charcot-Marie-Tooth disease, demyelinating, type 1b. Identifiers: Orphanet 101082, MedGen C0270912, MONDO:0007307, OMIM 118200.
Roussy-Lévy syndrome. Also called: Roussy-Levy Syndrome; Roussy Levy hereditary areflexic dystasia; Roussy-Levy disease; Hereditary areflexic dystasia. Identifiers: Orphanet 3115, MedGen C0205713, MONDO:0008392, OMIM 180800.

Submissions (4):

Labcorp Genetics (formerly Invitae), Labcorp
Classification: Pathogenic for Charcot-Marie-Tooth disease, type I. Last evaluated: 2019-12-03. Review status: criteria provided, single submitter. Criteria: Invitae Variant Classification Sherloc (09022015). Collection method: clinical testing. Allele origin: germline.
Comment: This sequence change replaces asparagine with lysine at codon 131 of the MPZ protein (p.Asn131Lys). The asparagine residue is highly conserved and there is a moderate physicochemical difference between asparagine and lysine. This variant is not present in population databases (ExAC no frequency). This variant has been observed in individual(s) with Charcot-Marie-Tooth disease (PMID: 10553995, 12940837). It has also been observed to segregate with disease in related individuals. This variant is also known as 727C>A in the literature. ClinVar contains an entry for this variant (Variation ID: 14186). Algorithms developed to predict the effect of missense changes on protein structure and function (SIFT, PolyPhen-2, Align-GVGD) all suggest that this variant is likely to be disruptive, but these predictions have not been confirmed by published functional studies and their clinical significance is uncertain. For these reasons, this variant has been classified as Pathogenic.

Athena Diagnostics
Classification: Pathogenic. Last evaluated: 2017-04-18. Review status: criteria provided, single submitter. Criteria: Athena Diagnostics Criteria. Collection method: clinical testing. Allele origin: germline.

OMIM
Classification: Pathogenic for ROUSSY-LEVY SYNDROME. Last evaluated: 1999-11-01. Review status: no assertion criteria provided. Collection method: literature only. Allele origin: germline. Not counted in ClinVar's aggregate classification.

GeneReviews
No classification provided. Condition: Charcot-Marie-Tooth disease type 1B. Review status: no classification provided. Collection method: literature only. Allele origin: germline. Affected: yes. Not counted in ClinVar's aggregate classification.

Literature cited by the submitters: PubMed 10553995 (cited by 3 submitters); PubMed 12940837 (cited by Labcorp Genetics (formerly Invitae), Labcorp and Athena Diagnostics); PubMed 21107784 (cited by Athena Diagnostics); Roussy, G., Levy, G. Sept cas d'une maladie familiale particulaiere. Rev. Neurol. 45: 427-450, 1926. (cited by OMIM); NCBI Bookshelf NBK1205 (cited by GeneReviews).

NM_000530.8(MPZ):c.393C>A (p.Asn131Lys)

Gene: MPZ (myelin protein zero; minus strand). Cytogenetic location: 1q23.3.
Variant type: single nucleotide variant.
Coding change: c.393C>A on transcript NM_000530.8 (MANE Select); coding-DNA position 393, C replaced by A.
Protein change: p.Asn131Lys; replaces asparagine 131 with lysine.
Molecular consequence: missense variant.
Genome position (GRCh38, 1-based): chr1:161,306,763, G>T on the plus strand (C>A on the coding strand, the complement: MPZ is on the minus strand). VCF-style: chr1-161306763-G-T. GRCh37 (hg19) VCF-style: chr1-161276553-G-T.
Other names: c.393C>A, p.Asn131Lys (NM_001315491.2, LRG_256t1); short protein forms N131K.
Identifiers: ClinVar variation 14186 (VCV000014186.12), dbSNP rs121913599, ClinGen allele CA123803.